The following is an entry in ClinVar:

NM_005477.3(HCN4):c.595C>A (p.Gln199Lys)

Gene: HCN4 (hyperpolarization activated cyclic nucleotide gated potassium channel 4; minus strand). Cytogenetic location: 15q24.1.
Variant type: single nucleotide variant.
Coding change: c.595C>A on transcript NM_005477.3 (MANE Select); coding-DNA position 595, C replaced by A.
Protein change: p.Gln199Lys; replaces glutamine 199 with lysine.
Molecular consequence: missense variant.
Genome position (GRCh38, 1-based): chr15:73,367,676, G>T on the plus strand (C>A on the coding strand, the complement: HCN4 is on the minus strand). VCF-style: chr15-73367676-G-T. GRCh37 (hg19) VCF-style: chr15-73660017-G-T.
Other names: c.595C>A (NM_005477.2); short protein forms Q199K.
Identifiers: ClinVar variation 1523202 (VCV001523202.7), dbSNP rs1055534495, ClinGen allele CA393097533.

ClinVar aggregate classification (germline): Uncertain significance. Review status: criteria provided, multiple submitters, no conflicts (2 of 4 stars). 2 submissions from 2 submitters: Uncertain significance (2). Last evaluated 2025-05-11.

Conditions:
Cardiovascular phenotype. Identifiers: MedGen CN230736.
Brugada syndrome 8 (BRGDA8). Identifiers: Orphanet 130, MedGen C2751083, MONDO:0013148, OMIM 613123.

Allele frequency attached by ClinVar (database versions not stated): gnomAD 0.00001; TOPMed below 0.00001.

Submissions (2):

Labcorp Genetics (formerly Invitae), Labcorp
Classification: Uncertain significance for Brugada syndrome 8. Last evaluated: 2025-05-11. Review status: criteria provided, single submitter. Criteria: Invitae Variant Classification Sherloc (09022015). Collection method: clinical testing. Allele origin: germline.
Comment: This sequence change replaces glutamine, which is neutral and polar, with lysine, which is basic and polar, at codon 199 of the HCN4 protein (p.Gln199Lys). This variant is not present in population databases (gnomAD no frequency). This variant has not been reported in the literature in individuals affected with HCN4-related conditions. ClinVar contains an entry for this variant (Variation ID: 1523202). Invitae Evidence Modeling of protein sequence and biophysical properties (such as structural, functional, and spatial information, amino acid conservation, physicochemical variation, residue mobility, and thermodynamic stability) indicates that this missense variant is not expected to disrupt HCN4 protein function with a negative predictive value of 95%. In summary, the available evidence is currently insufficient to determine the role of this variant in disease. Therefore, it has been classified as a Variant of Uncertain Significance.

Ambry Genetics
Classification: Uncertain significance for Cardiovascular phenotype. Last evaluated: 2023-09-06. Review status: criteria provided, single submitter. Criteria: Ambry Variant Classification Scheme 2023. Collection method: clinical testing. Allele origin: germline.
Comment: The p.Q199K variant (also known as c.595C>A), located in coding exon 1 of the HCN4 gene, results from a C to A substitution at nucleotide position 595. The glutamine at codon 199 is replaced by lysine, an amino acid with similar properties. This amino acid position is conserved. In addition, the in silico prediction for this alteration is inconclusive. Since supporting evidence is limited at this time, the clinical significance of this alteration remains unclear.